The following is an entry in ClinVar:

NM_001843.4(CNTN1):c.202C>T (p.Arg68Ter)

Gene: CNTN1 (contactin 1; plus strand). Cytogenetic location: 12q12.
Variant type: single nucleotide variant.
Coding change: c.202C>T on transcript NM_001843.4 (MANE Select); coding-DNA position 202, C replaced by T.
Protein change: p.Arg68Ter; replaces arginine 68 with a stop codon.
Molecular consequence: nonsense.
Genome position (GRCh38, 1-based): chr12:40,918,746, C>T. VCF-style: chr12-40918746-C-T. GRCh37 (hg19) VCF-style: chr12-41312548-C-T.
Other names: c.202C>T, p.Arg68Ter (NM_001256063.2, NM_001256064.2); c.169C>T, p.Arg57Ter (NM_175038.2); short protein forms R68*, R57*.
Identifiers: ClinVar variation 620468 (VCV000620468.1), dbSNP rs753826693, ClinGen allele CA6516547.

ClinVar aggregate classification (germline): Likely pathogenic (1 of 4 stars; one submission).

Allele frequency attached by ClinVar (database versions not stated): gnomAD exomes below 0.00001; ExAC 0.00001.

Submission:

GeneDx
Classification: Likely pathogenic. Last evaluated: 2018-11-21. Review status: criteria provided, single submitter. Criteria: GeneDx Variant Classification (06012015). Collection method: clinical testing. Allele origin: germline. Affected: yes.
Comment: A variant that is likely pathogenic has been identified in the CNTN1 gene. The R68X nonsense variant is predicted to cause loss of normal protein function either through protein truncation or nonsense-mediated mRNA decay. The R68X variant is not observed in large population cohorts (Lek et al., 2016). Therefore, this variant is likely pathogenic; however, the possibility that it is benign cannot be excluded.